The following is an entry in ClinVar:

NM_014709.4(USP34):c.5923G>A (p.Glu1975Lys)

Gene: USP34 (ubiquitin specific peptidase 34; minus strand). Cytogenetic location: 2p15.
Variant type: single nucleotide variant.
Coding change: c.5923G>A on transcript NM_014709.4 (MANE Select); coding-DNA position 5923, G replaced by A.
Protein change: p.Glu1975Lys; replaces glutamic acid 1975 with lysine.
Molecular consequence: missense variant.
Genome position (GRCh38, 1-based): chr2:61,257,272, C>T on the plus strand (G>A on the coding strand, the complement: USP34 is on the minus strand). VCF-style: chr2-61257272-C-T. GRCh37 (hg19) VCF-style: chr2-61484407-C-T.
Other names: short protein forms E1975K.
Identifiers: ClinVar variation 4888122 (VCV004888122.1).

ClinVar aggregate classification (germline): Uncertain significance (1 of 4 stars; one submission).

Submission:

GeneDx
Classification: Uncertain significance. Last evaluated: 2022-02-20. Review status: criteria provided, single submitter. Criteria: GeneDx Variant Classification Process June 2021. Collection method: clinical testing. Allele origin: germline.
Comment: Not observed at significant frequency in large population cohorts (gnomAD); In silico analysis supports that this missense variant has a deleterious effect on protein structure/function; Has not been previously published as pathogenic or benign to our knowledge; Variants in candidate genes are classified as variants of uncertain significance in accordance with ACMG guidelines (Richards et al., 2015)